The following is an entry in ClinVar:

NM_001267550.2(TTN):c.27846C>T (p.Ser9282=)

Gene: TTN (titin; minus strand). Cytogenetic location: 2q31.2.
Variant type: single nucleotide variant.
Coding change: c.27846C>T on transcript NM_001267550.2 (MANE Select); coding-DNA position 27846, C replaced by T.
Protein change: p.Ser9282=; no amino-acid change (serine 9282 retained).
Molecular consequence: synonymous variant. On other transcripts: intron variant (3).
Genome position (GRCh38, 1-based): chr2:178,711,984, G>A on the plus strand (C>T on the coding strand, the complement: TTN is on the minus strand). VCF-style: chr2-178711984-G-A. GRCh37 (hg19) VCF-style: chr2-179576711-G-A.
Other names: c.26895C>T, p.Ser8965= (NM_001256850.1); c.24114C>T, p.Ser8038= (NM_133378.4); c.13282+26098C>T (NM_003319.4); c.13858+26098C>T (NM_133437.4); c.13657+26098C>T (NM_133432.3).
Identifiers: ClinVar variation 46800 (VCV000046800.34), dbSNP rs182355009, ClinGen allele CA139231.

ClinVar aggregate classification (germline): Benign/Likely benign. Review status: criteria provided, multiple submitters, no conflicts (2 of 4 stars). 11 submissions from 8 submitters: Benign (7); Likely benign (4). Last evaluated 2026-08-01.

Conditions:
TTN-related disorder. Also called: TTN-related disorders; TTN-related condition; TTN-related disease.
Autosomal recessive limb-girdle muscular dystrophy type 2J (LGMDR10). Also called: MUSCULAR DYSTROPHY, LIMB-GIRDLE, AUTOSOMAL RECESSIVE 10; Limb-girdle muscular dystrophy, type 2J. Identifiers: Orphanet 140922, MedGen C1837342, MONDO:0012127, OMIM 608807.
Dilated cardiomyopathy 1G (CMD1G). Identifiers: Orphanet 154, MedGen C1858763, MONDO:0011400, OMIM 604145.
Early-onset myopathy with fatal cardiomyopathy (CMYO5). Also called: CONGENITAL MYOPATHY 5 WITH CARDIOMYOPATHY; Salih Myopathy. Identifiers: Orphanet 289377, MedGen C2673677, MONDO:0012714, OMIM 611705. Disease mechanism: loss of function.
Myopathy, myofibrillar, 9, with early respiratory failure (MFM9). Also called: Myopathy, distal, with early respiratory failure, autosomal dominant; Hereditary myopathy with early respiratory failure; EDSTROM MYOPATHY; MYOPATHY, PROXIMAL, WITH EARLY RESPIRATORY MUSCLE INVOLVEMENT. Identifiers: Orphanet 178464, Orphanet 34521, MedGen C1863599, MONDO:0011362, OMIM 603689.
Tibial muscular dystrophy (TMD). Also called: Tibial muscular dystrophy, tardive; Udd Distal Myopathy – Tibial Muscular Dystrophy; UDD MYOPATHY. Identifiers: Orphanet 609, MedGen C1838244, MONDO:0010870, OMIM 600334.

Allele frequency attached by ClinVar (database versions not stated): gnomAD 0.00017; ExAC 0.00070; 1000 Genomes Project 30x 0.00078; gnomAD exomes 0.00018 and 0.00085; 1000 Genomes Project 0.00060; TOPMed 0.00041.
gnomAD v4.1: 282 of 1,608,278 alleles (0.018%); highest among the groups gnomAD compares: Admixed American, 0.4%; 4 homozygotes.

Submissions (11):

CeGaT Center for Human Genetics Tuebingen
Classification: Likely benign. Last evaluated: 2026-08-01. Review status: criteria provided, single submitter. Criteria: CeGaT Center For Human Genetics Tuebingen Variant Classification Criteria Version 2. Collection method: clinical testing. Allele origin: germline. Affected: yes. Observed: 9 variant alleles.
Comment: TTN: BP4, BP7

Labcorp Genetics (formerly Invitae), Labcorp
Classification: Benign for Dilated cardiomyopathy 1G; Autosomal recessive limb-girdle muscular dystrophy type 2J. Last evaluated: 2026-02-03. Review status: criteria provided, single submitter. Criteria: Invitae Variant Classification Sherloc (09022015). Collection method: clinical testing. Allele origin: germline.

PreventionGenetics, part of Exact Sciences
Classification: Likely benign for TTN-related condition. Last evaluated: 2025-03-19. Review status: criteria provided, single submitter. Criteria: ACMG Guidelines, 2015. Collection method: clinical testing. Allele origin: germline.
Comment: This variant is classified as likely benign based on ACMG/AMP sequence variant interpretation guidelines (Richards et al. 2015 PMID: 25741868, with internal and published modifications).

Women's Health and Genetics/Laboratory Corporation of America, LabCorp
Classification: Benign. Last evaluated: 2024-12-27. Review status: criteria provided, single submitter. Criteria: LabCorp Variant Classification Summary - May 2015. Collection method: clinical testing. Allele origin: germline.

Genome-Nilou Lab
Classification: Benign for Autosomal recessive limb-girdle muscular dystrophy type 2J. Last evaluated: 2021-09-10. Review status: criteria provided, single submitter. Criteria: ACMG Guidelines, 2015. Collection method: clinical testing. Allele origin: germline. Affected: no.

Genome-Nilou Lab
Classification: Benign for Myopathy, myofibrillar, 9, with early respiratory failure. Last evaluated: 2021-09-10. Review status: criteria provided, single submitter. Criteria: ACMG Guidelines, 2015. Collection method: clinical testing. Allele origin: germline. Affected: no.

Genome-Nilou Lab
Classification: Benign for Early-onset myopathy with fatal cardiomyopathy. Last evaluated: 2021-09-10. Review status: criteria provided, single submitter. Criteria: ACMG Guidelines, 2015. Collection method: clinical testing. Allele origin: germline. Affected: no.

Genome-Nilou Lab
Classification: Benign for Tibial muscular dystrophy. Last evaluated: 2021-09-10. Review status: criteria provided, single submitter. Criteria: ACMG Guidelines, 2015. Collection method: clinical testing. Allele origin: germline. Affected: no.

Eurofins Ntd Llc (ga)
Classification: Likely benign. Last evaluated: 2015-10-06. Review status: criteria provided, single submitter. Criteria: EGL Classification Definitions 2015. Collection method: clinical testing. Allele origin: germline. Observed: 1 variant allele, 1 heterozygote.

GeneDx
Classification: Benign. Last evaluated: 2015-04-17. Review status: criteria provided, single submitter. Criteria: GeneDx Variant Classification (06012015). Collection method: clinical testing. Allele origin: germline. Affected: yes.
Comment: This variant is considered likely benign or benign based on one or more of the following criteria: it is a conservative change, it occurs at a poorly conserved position in the protein, it is predicted to be benign by multiple in silico algorithms, and/or has population frequency not consistent with disease.

Laboratory for Molecular Medicine, Mass General Brigham Personalized Medicine
Classification: Likely benign. Last evaluated: 2012-06-26. Review status: criteria provided, single submitter. Criteria: LMM Criteria. Collection method: clinical testing. Allele origin: germline. Observed: 5 variant alleles.
Comment: Ser8038Ser in exon 93 of TTN: This variant is not expected to have clinical sign ificance because it does not alter an amino acid residue and is not located with in the splice consensus sequence. It has been identified in 2.3% (3/132) of Mexi can chromosomes a broad population by the 1000 Genomes Project (dbSNP rs18235500 9). Ser8038Ser in exon 93 of TTN (rs182355009; allele frequency = 2.3%, 3/132)